The following is an entry in ClinVar:

NM_006261.5(PROP1):c.466dup (p.Ser156fs)

Gene: PROP1 (PROP paired-like homeobox 1; minus strand). Cytogenetic location: 5q35.3.
Variant type: Duplication.
Coding change: c.466dup on transcript NM_006261.5 (MANE Select); coding-DNA position 466, one base duplicated (T; older notation c.466dupT).
Protein change: p.Ser156fs; shifts the reading frame from serine 156.
Molecular consequence: frameshift variant.
Genome position (GRCh38, 1-based): chr5:177,992,924, A duplicated on the plus strand (T on the coding strand, the reverse complement: PROP1 is on the minus strand); the first of 2 consecutive A bases (chr5:177,992,924-177,992,925); duplicating either gives the same sequence. VCF-style (leftmost placement, unchanged base first): chr5-177992923-G-GA. GRCh37 (hg19) VCF-style: chr5-177419924-G-GA.
Other names: short protein forms S156fs.
Identifiers: ClinVar variation 4815502 (VCV004815502.1).
Genomic context (GRCh38, chr5:177,992,923, plus strand): 5'-GGGAGGGCATGGCTGTAGGGGTGAGGGAAGCAGGTCACTGGTGGTGGTGGTGCTGCGTAA[G>GA]AATAGGGGCAAGCAGTGGACTCTGGCAAGAAGCTGGAAAAGGCGGCAGGAGACAGATGGG-3'

ClinVar aggregate classification (germline): Likely pathogenic (1 of 4 stars; one submission).

Conditions:
Pituitary hormone deficiency, combined, 2. Also called: PROP1-Related Combined Pituitary Hormone Deficiency; ATELIOTIC DWARFISM WITH HYPOGONADISM; HANHART DWARFISM; PITUITARY DWARFISM III. Identifiers: MedGen C0878683, MONDO:0009878, OMIM 262600.

Submission:

Natera, Inc.
Classification: Likely pathogenic for Combined pituitary hormone deficiency type 2. Last evaluated: 2025-12-30. Review status: criteria provided, single submitter. Criteria: Natera Variant Classification Schema (03/2026). Collection method: clinical testing. Allele origin: germline.
Comment: The c.466dup variant in PROP1 is a frameshift variant predicted to shift the reading frame beginning at codon 156 and leads to a stop codon 37 codons downstream. This variant is expected to result in nonsense mediated decay, truncation, or a dysfunctional protein product. This variant is rare in the general population with a frequency below the threshold expected for the associated phenotype(s). This variant has been observed in one or more individuals affected with the associated recessive disease, as either homozygous or compound heterozygous with a second variant (PMID: 16759034). Functional studies show that this variant may disrupt protein function (PMID: 20381582). Given the available evidence, this variant is classified as Likely Pathogenic.

Literature cited by the submitters: PubMed 16759034; PubMed 20381582.